The following is an entry in ClinVar:

NM_001365951.3(KIF1B):c.4841C>T (p.Pro1614Leu)

Gene: KIF1B (kinesin family member 1B; plus strand). Cytogenetic location: 1p36.22.
Variant type: single nucleotide variant.
Coding change: c.4841C>T on transcript NM_001365951.3 (MANE Select); coding-DNA position 4841, C replaced by T.
Protein change: p.Pro1614Leu; replaces proline 1614 with leucine.
Molecular consequence: missense variant.
Genome position (GRCh38, 1-based): chr1:10,371,157, C>T. VCF-style: chr1-10371157-C-T. GRCh37 (hg19) VCF-style: chr1-10431215-C-T.
Other names: c.4841C>T, p.Pro1614Leu (NM_001365952.1); c.4703C>T, p.Pro1568Leu (NM_015074.3); short protein forms P1614L, P1568L.
Identifiers: ClinVar variation 3534079 (VCV003534079.1).

ClinVar aggregate classification (germline): Uncertain significance (1 of 4 stars; one submission).

Submission:

Ambry Genetics
Classification: Uncertain significance. Last evaluated: 2024-11-11. Review status: criteria provided, single submitter. Criteria: Ambry Variant Classification Scheme 2023. Collection method: clinical testing. Allele origin: germline.
Comment: The p.P1568L variant (also known as c.4703C>T), located in coding exon 42 of the KIF1B gene, results from a C to T substitution at nucleotide position 4703. The proline at codon 1568 is replaced by leucine, an amino acid with similar properties. This amino acid position is conserved. In addition, this alteration is predicted to be tolerated by in silico analysis. Based on the available evidence, the clinical significance of this variant remains unclear.